The following is an entry in ClinVar:

NM_006231.4(POLE):c.1388C>G (p.Ala463Gly)

Gene: POLE (DNA polymerase epsilon, catalytic subunit; minus strand). Cytogenetic location: 12q24.33.
Variant type: single nucleotide variant.
Coding change: c.1388C>G on transcript NM_006231.4 (MANE Select); coding-DNA position 1388, C replaced by G.
Protein change: p.Ala463Gly; replaces alanine 463 with glycine.
Molecular consequence: missense variant.
Genome position (GRCh38, 1-based): chr12:132,673,249, G>C on the plus strand (C>G on the coding strand, the complement: POLE is on the minus strand). VCF-style: chr12-132673249-G-C. GRCh37 (hg19) VCF-style: chr12-133249835-G-C.
Other names: short protein forms A463G.
Identifiers: ClinVar variation 1487685 (VCV001487685.8), dbSNP rs2135996706, ClinGen allele CA387358655.
Genomic context (GRCh38, chr12:132,673,249, plus strand): 5'-GTGCACAGAGCAAAGATGAATGGGTGGACGTACTTCATGTACAGGTAGTAAGTGGCGACA[G>C]CATCTGACACAGAATACGTGGCCAGAGTCTGAGGAGAGAACGCCAGAGAGCAGGGCCATC-3'
Protein context (NP_006222.2, residues 453-473): QTLATYSVSD[Ala463Gly]VATYYLYMKY

ClinVar aggregate classification (germline): Uncertain significance (1 of 4 stars; one submission).

Submission:

Labcorp Genetics (formerly Invitae), Labcorp
Classification: Uncertain significance. Last evaluated: 2021-04-30. Review status: criteria provided, single submitter. Criteria: Invitae Variant Classification Sherloc (09022015). Collection method: clinical testing. Allele origin: germline.
Comment: In summary, the available evidence is currently insufficient to determine the role of this variant in disease. Therefore, it has been classified as a Variant of Uncertain Significance. Algorithms developed to predict the effect of missense changes on protein structure and function are either unavailable or do not agree on the potential impact of this missense change (SIFT: "Deleterious"; PolyPhen-2: "Probably Damaging"; Align-GVGD: "Class C0"). This variant has not been reported in the literature in individuals with POLE-related conditions. This variant is not present in population databases (ExAC no frequency). This sequence change replaces alanine with glycine at codon 463 of the POLE protein (p.Ala463Gly). The alanine residue is highly conserved and there is a small physicochemical difference between alanine and glycine.